The following is an entry in ClinVar:

ClinVar aggregate classification (germline): Uncertain significance (1 of 4 stars; one submission).

Conditions:
Familial focal epilepsy with variable foci (FPEVF). Identifiers: Orphanet 98820, MedGen C1858477, MONDO:0020310.

Submission:

Labcorp Genetics (formerly Invitae), Labcorp
Classification: Uncertain significance for Familial focal epilepsy with variable foci. Last evaluated: 2021-10-21. Review status: criteria provided, single submitter. Criteria: Invitae Variant Classification Sherloc (09022015). Collection method: clinical testing. Allele origin: germline.
Comment: This variant is not present in population databases (ExAC no frequency). This sequence change replaces leucine with proline at codon 200 of the DEPDC5 protein (p.Leu200Pro). The leucine residue is highly conserved and there is a moderate physicochemical difference between leucine and proline. This variant has not been reported in the literature in individuals affected with DEPDC5-related conditions. Algorithms developed to predict the effect of missense changes on protein structure and function are either unavailable or do not agree on the potential impact of this missense change (SIFT: "Deleterious"; PolyPhen-2: "Not Available"; Align-GVGD: "Class C0"). In summary, the available evidence is currently insufficient to determine the role of this variant in disease. Therefore, it has been classified as a Variant of Uncertain Significance.

NM_001242896.3(DEPDC5):c.599T>C (p.Leu200Pro)

Gene: DEPDC5 (DEP domain containing 5, GATOR1 subcomplex subunit; plus strand). Cytogenetic location: 22q12.2.
Variant type: single nucleotide variant.
Coding change: c.599T>C on transcript NM_001242896.3 (MANE Select); coding-DNA position 599, T replaced by C.
Protein change: p.Leu200Pro; replaces leucine 200 with proline.
Molecular consequence: missense variant. On other transcripts: non-coding transcript variant (5).
Genome position (GRCh38, 1-based): chr22:31,784,850, T>C. VCF-style: chr22-31784850-T-C. GRCh37 (hg19) VCF-style: chr22-32180836-T-C.
Other names: c.599T>C, p.Leu200Pro (NM_001007188.4, NM_001136029.4, NM_001242897.2 and 7 more transcripts); c.515T>C, p.Leu172Pro (NM_001369901.1, NM_001369902.1); short protein forms L200P, L172P.
Identifiers: ClinVar variation 1346119 (VCV001346119.6), dbSNP rs2148415428, ClinGen allele CA411286230.